The following is an entry in ClinVar:

ClinVar aggregate classification (germline): Uncertain significance (1 of 4 stars; one submission).

Conditions:
Combined malonic and methylmalonic acidemia. Identifiers: Orphanet 289504, MedGen C3280314, MONDO:0013661, OMIM 614265.

Allele frequency attached by ClinVar (database versions not stated): TOPMed 0.00004; gnomAD 0.00005.
gnomAD v4.1: 16 of 1,613,904 alleles (0.00099%); highest among the groups gnomAD compares: Admixed American, 0.025%; no homozygotes.

Submission:

Labcorp Genetics (formerly Invitae), Labcorp
Classification: Uncertain significance for Combined malonic and methylmalonic acidemia. Last evaluated: 2022-06-09. Review status: criteria provided, single submitter. Criteria: Invitae Variant Classification Sherloc (09022015). Collection method: clinical testing. Allele origin: germline.
Comment: This sequence change affects codon 500 of the ACSF3 mRNA. It is a 'silent' change, meaning that it does not change the encoded amino acid sequence of the ACSF3 protein. It affects a nucleotide within the consensus splice site. This variant is present in population databases (no rsID available, gnomAD 0.02%). This variant has not been reported in the literature in individuals affected with ACSF3-related conditions. Algorithms developed to predict the effect of sequence changes on RNA splicing suggest that this variant may create or strengthen a splice site. In summary, the available evidence is currently insufficient to determine the role of this variant in disease. Therefore, it has been classified as a Variant of Uncertain Significance.

NM_001243279.3(ACSF3):c.1500A>G (p.Thr500=)

Gene: ACSF3 (acyl-CoA synthetase family member 3; plus strand). Cytogenetic location: 16q24.3.
Variant type: single nucleotide variant.
Coding change: c.1500A>G on transcript NM_001243279.3 (MANE Select); coding-DNA position 1500, A replaced by G.
Protein change: p.Thr500=; no amino-acid change (threonine 500 retained).
Molecular consequence: synonymous variant. On other transcripts: non-coding transcript variant (4).
Genome position (GRCh38, 1-based): chr16:89,145,400, A>G. VCF-style: chr16-89145400-A-G. GRCh37 (hg19) VCF-style: chr16-89211808-A-G.
Other names: c.1500A>G, p.Thr500= (NM_001127214.4, NM_174917.5); c.705A>G, p.Thr235= (NM_001284316.2).
Identifiers: ClinVar variation 2152409 (VCV002152409.1), dbSNP rs1183363077, ClinGen allele CA497146304.